The following is an entry in ClinVar:

NM_033360.4(KRAS):c.*3672C>G

Gene: KRAS (KRas proto-oncogene, GTPase; minus strand). Cytogenetic location: 12p12.1.
Variant type: single nucleotide variant.
Coding change: c.*3672C>G on transcript NM_033360.4 (MANE Plus Clinical); 3672 bases downstream of the stop codon, C replaced by G.
Molecular consequence: 3 prime UTR variant.
Genome position (GRCh38, 1-based): chr12:25,206,244, G>C on the plus strand (C>G on the coding strand, the complement: KRAS is on the minus strand). VCF-style: chr12-25206244-G-C. GRCh37 (hg19) VCF-style: chr12-25359178-G-C.
Other names: c.*3672C>G (NM_001369786.1, LRG_344t2); c.*3551C>G (NM_001369787.1, NM_004985.5, LRG_344t1).
Identifiers: ClinVar variation 308071 (VCV000308071.29), dbSNP rs188922523, ClinGen allele CA10641646.
Genomic context (GRCh38, chr12:25,206,244, plus strand): 5'-CTATGTATATATTAGGACAAAATTGTGCAATGGTGACAACAGTTTTGATAACCTATAAAA[G>C]TTAGGTTCTAAATTCCTATGCAGTGTGACTCAGTTAAATAGAGCCTAGAATGCCTACTTG-3'

ClinVar aggregate classification (germline): Benign (1 of 4 stars; one submission).

Allele frequency attached by ClinVar (database versions not stated): gnomAD 0.00016 and 0.00023; TOPMed 0.00028; gnomAD exomes 0.00029; 1000 Genomes Project 30x 0.00187; 1000 Genomes Project 0.00200.
gnomAD v4.1: 52 of 212,336 alleles (0.024%); highest among the groups gnomAD compares: East Asian, 0.34%; no homozygotes.

Submission:

CeGaT Center for Human Genetics Tuebingen
Classification: Benign. Last evaluated: 2022-07-01. Review status: criteria provided, single submitter. Criteria: CeGaT Center For Human Genetics Tuebingen Variant Classification Criteria Version 2. Collection method: clinical testing. Allele origin: germline. Affected: yes. Observed: 1 variant allele.
Comment: KRAS: BS1, BS2